The following is an entry in ClinVar:

NM_001365536.1(SCN9A):c.3110A>G (p.Tyr1037Cys)

Genes: SCN9A (sodium voltage-gated channel alpha subunit 9; minus strand), SCN1A-AS1 (SCN1A and SCN9A antisense RNA 1; plus strand). Cytogenetic location: 2q24.3.
Variant type: single nucleotide variant.
Coding change: c.3110A>G on transcript NM_001365536.1 (MANE Select); coding-DNA position 3110, A replaced by G.
Protein change: p.Tyr1037Cys; replaces tyrosine 1037 with cysteine.
Molecular consequence: missense variant.
Genome position (GRCh38, 1-based): chr2:166,272,640, T>C on the plus strand (A>G on the coding strand, the complement: SCN9A is on the minus strand). VCF-style: chr2-166272640-T-C. GRCh37 (hg19) VCF-style: chr2-167129150-T-C.
Other names: c.3077A>G, p.Tyr1026Cys (NM_002977.4); short protein forms Y1037C, Y1026C.
Identifiers: ClinVar variation 2933343 (VCV002933343.3), dbSNP rs1035832337, ClinGen allele CA59791528.

ClinVar aggregate classification (germline): Uncertain significance (1 of 4 stars; one submission).

Conditions:
Neuropathy, hereditary sensory and autonomic, type 2A (HSAN2A). Also called: ACROOSTEOLYSIS, GIACCAI TYPE; ACROOSTEOLYSIS, NEUROGENIC; WNK1-Related HSAN2 (HSAN2A); MORVAN DISEASE; NEUROPATHY, CONGENITAL SENSORY; NEUROPATHY, HEREDITARY SENSORY RADICULAR, AUTOSOMAL RECESSIVE. Identifiers: Orphanet 970, MedGen C2752089, MONDO:0024309, OMIM 201300.
Generalized epilepsy with febrile seizures plus, type 7 (GEFSP7). Also called: GEFS+, TYPE 7. Identifiers: Orphanet 36387, MedGen C2751778, MONDO:0013470, OMIM 613863.

Allele frequency attached by ClinVar (database versions not stated): gnomAD exomes below 0.00001; TOPMed 0.00001.
gnomAD v4.1: 2 of 1,613,212 alleles (0.00012%); highest among the groups gnomAD compares: Non-Finnish European, 0.000085%; no homozygotes.

Submission:

Labcorp Genetics (formerly Invitae), Labcorp
Classification: Uncertain significance for Neuropathy, hereditary sensory and autonomic, type 2A; Generalized epilepsy with febrile seizures plus, type 7. Last evaluated: 2023-11-19. Review status: criteria provided, single submitter. Criteria: Invitae Variant Classification Sherloc (09022015). Collection method: clinical testing. Allele origin: germline.
Comment: This sequence change replaces tyrosine, which is neutral and polar, with cysteine, which is neutral and slightly polar, at codon 1026 of the SCN9A protein (p.Tyr1026Cys). This variant is not present in population databases (gnomAD no frequency). This variant has not been reported in the literature in individuals affected with SCN9A-related conditions. Advanced modeling of protein sequence and biophysical properties (such as structural, functional, and spatial information, amino acid conservation, physicochemical variation, residue mobility, and thermodynamic stability) performed at Invitae indicates that this missense variant is not expected to disrupt SCN9A protein function with a negative predictive value of 95%. In summary, the available evidence is currently insufficient to determine the role of this variant in disease. Therefore, it has been classified as a Variant of Uncertain Significance.